The following is an entry in ClinVar:

NM_058216.3(RAD51C):c.232_233delinsTT (p.Thr78Leu)

Gene: RAD51C (RAD51 paralog C; plus strand). Cytogenetic location: 17q22.
Variant type: Indel.
Coding change: c.232_233delinsTT on transcript NM_058216.3 (MANE Select); coding-DNA positions 232 to 233, AC replaced by TT.
Protein change: p.Thr78Leu; replaces threonine 78 with leucine.
Molecular consequence: missense variant. On other transcripts: non-coding transcript variant (2).
Genome position (GRCh38, 1-based): chr17:58,695,017-58,695,018, AC replaced by TT. VCF-style: chr17-58695017-AC-TT. GRCh37 (hg19) VCF-style: chr17-56772378-AC-TT.
Other names: c.232_233delinsTT, p.Thr78Leu (NM_002876.4); short protein forms T78L.
Identifiers: ClinVar variation 3786492 (VCV003786492.1).

ClinVar aggregate classification (germline): Uncertain significance (1 of 4 stars; one submission).

Conditions:
Hereditary cancer-predisposing syndrome. Also called: Neoplastic Syndromes, Hereditary; Hereditary Cancer Syndrome; Tumor predisposition; Hereditary neoplastic syndrome. Identifiers: Orphanet 140162, MedGen C0027672, MeSH D009386, MONDO:0015356.

Submission:

Ambry Genetics
Classification: Uncertain significance for Hereditary cancer-predisposing syndrome. Last evaluated: 2025-01-20. Review status: criteria provided, single submitter. Criteria: Ambry Variant Classification Scheme 2023. Collection method: clinical testing. Allele origin: germline.
Comment: The c.232_233delACinsTT variant, located in coding exon 2 of the RAD51C gene, results from an in-frame deletion of AC and insertion of TT at nucleotide positions 232 to 233. This results in the substitution of the threonine residue for a leucine residue at codon 78, an amino acid with similar properties. This amino acid position is not well conserved in available vertebrate species. In addition, this alteration is predicted to be neutral by in silico analysis (Choi Y et al. PLoS ONE. 2012; 7(10):e46688). Based on the available evidence, the clinical significance of this variant remains unclear.